The following is an entry in ClinVar:

NM_001080467.3(MYO5B):c.28T>G (p.Cys10Gly)

Gene: MYO5B (myosin VB; minus strand). Cytogenetic location: 18q21.1.
Variant type: single nucleotide variant.
Coding change: c.28T>G on transcript NM_001080467.3 (MANE Select); coding-DNA position 28, T replaced by G.
Protein change: p.Cys10Gly; replaces cysteine 10 with glycine.
Molecular consequence: missense variant.
Genome position (GRCh38, 1-based): chr18:50,055,378, A>C on the plus strand (T>G on the coding strand, the complement: MYO5B is on the minus strand). VCF-style: chr18-50055378-A-C. GRCh37 (hg19) VCF-style: chr18-47581748-A-C.
Other names: short protein forms C10G.
Identifiers: ClinVar variation 327092 (VCV000327092.17), dbSNP rs16951438, ClinGen allele CA8962033.

ClinVar aggregate classification (germline): Benign/Likely benign. Review status: criteria provided, multiple submitters, no conflicts (2 of 4 stars). 4 submissions from 4 submitters: Benign (3); Likely benign (1). Last evaluated 2026-02-02.

Conditions:
Congenital microvillous atrophy (DIAR2). Also called: DAVIDSON DISEASE; MICROVILLUS ATROPHY, CONGENITAL; Microvillus inclusion disease; Diarrhea 2 with microvillus atrophy, with or without cholestasis; CONGENITAL FAMILIAL PROTRACTED DIARRHEA WITH ENTEROCYTE BRUSH-BORDER ABNORMALITIES. Identifiers: Orphanet 2290, MedGen C0341306, MONDO:0009635, OMIM 251850.
Cholestasis, progressive familial intrahepatic, 10 (PFIC10). Identifiers: MedGen C5676981, MONDO:0030810, OMIM 619868.

Allele frequency attached by ClinVar (database versions not stated): gnomAD exomes 0.00242 and 0.00525; ExAC 0.00575; 1000 Genomes Project 0.01597; gnomAD 0.01663 and 0.01776; 1000 Genomes Project 30x 0.01702; ESP Exome Variant Server 0.01702; TOPMed 0.01858.
gnomAD v4.1: 6,300 of 1,612,224 alleles (0.39%); highest among the groups gnomAD compares: African/African-American, 5.4%; 112 homozygotes.

Submissions (4):

Labcorp Genetics (formerly Invitae), Labcorp
Classification: Benign. Last evaluated: 2026-02-02. Review status: criteria provided, single submitter. Criteria: Invitae Variant Classification Sherloc (09022015). Collection method: clinical testing. Allele origin: germline.

Fulgent Genetics
Classification: Likely benign for Congenital microvillous atrophy; Cholestasis, progressive familial intrahepatic, 10. Last evaluated: 2021-09-27. Review status: criteria provided, single submitter. Criteria: ACMG Guidelines, 2015. Collection method: clinical testing. Allele origin: unknown.

Illumina Laboratory Services, Illumina
Classification: Benign for Congenital microvillous atrophy. Last evaluated: 2018-01-12. Review status: criteria provided, single submitter. Criteria: ICSL Variant Classification Criteria 13 December 2019. Collection method: clinical testing. Allele origin: germline.
Comment: This variant was observed in the ICSL laboratory as part of a predisposition screen in an ostensibly healthy population. It had not been previously curated by ICSL or reported in the Human Gene Mutation Database (HGMD: prior to June 1st, 2018), and was therefore a candidate for classification through an automated scoring system. Utilizing variant allele frequency, disease prevalence and penetrance estimates, and inheritance mode, an automated score was calculated to assess if this variant is too frequent to cause the disease. Based on the score and internal cut-off values, a variant classified as benign is not then subjected to further curation. The score for this variant resulted in a classification of benign for this disease.

Breakthrough Genomics
Classification: Benign. Review status: criteria provided, single submitter. Criteria: ACMG Guidelines, 2015. Collection method: not provided. Allele origin: germline. Inheritance: Autosomal recessive inheritance. Affected: yes.